The following is an entry in ClinVar:

ClinVar aggregate classification (germline): Likely benign (1 of 4 stars; one submission).

Allele frequency attached by ClinVar (database versions not stated): gnomAD 0.00014; TOPMed 0.00014; ExAC 0.00015; gnomAD exomes 0.00016; 1000 Genomes Project 30x 0.00021; 1000 Genomes Project 0.00026.
gnomAD v4.1: 184 of 1,204,500 alleles (0.015%); highest among the groups gnomAD compares: Middle Eastern, 0.069%; no homozygotes.

Submission:

CeGaT Center for Human Genetics Tuebingen
Classification: Likely benign. Last evaluated: 2024-04-01. Review status: criteria provided, single submitter. Criteria: CeGaT Center For Human Genetics Tuebingen Variant Classification Criteria Version 2. Collection method: clinical testing. Allele origin: germline. Affected: yes. Observed: 2 variant alleles.
Comment: SHROOM4: BP4, BS1

NM_020717.5(SHROOM4):c.1201C>T (p.His401Tyr)

Gene: SHROOM4 (shroom family member 4; minus strand). Cytogenetic location: Xp11.22.
Variant type: single nucleotide variant.
Coding change: c.1201C>T on transcript NM_020717.5 (MANE Select); coding-DNA position 1201, C replaced by T.
Protein change: p.His401Tyr; replaces histidine 401 with tyrosine.
Molecular consequence: missense variant. On other transcripts: non-coding transcript variant (4).
Genome position (GRCh38, 1-based): chrX:50,634,872, G>A on the plus strand (C>T on the coding strand, the complement: SHROOM4 is on the minus strand). VCF-style: chrX-50634872-G-A. GRCh37 (hg19) VCF-style: chrX-50377872-G-A.
Other names: short protein forms H401Y.
Identifiers: ClinVar variation 2660561 (VCV002660561.24), dbSNP rs201801889, ClinGen allele CA10416280.